The following is an entry in ClinVar:

NM_021072.4(HCN1):c.209G>A (p.Gly70Asp)

Gene: HCN1 (hyperpolarization activated cyclic nucleotide gated potassium channel 1; minus strand). Cytogenetic location: 5p12.
Variant type: single nucleotide variant.
Coding change: c.209G>A on transcript NM_021072.4 (MANE Select); coding-DNA position 209, G replaced by A.
Protein change: p.Gly70Asp; replaces glycine 70 with aspartic acid.
Molecular consequence: missense variant.
Genome position (GRCh38, 1-based): chr5:45,695,885, C>T on the plus strand (G>A on the coding strand, the complement: HCN1 is on the minus strand). VCF-style: chr5-45695885-C-T. GRCh37 (hg19) VCF-style: chr5-45695987-C-T.
Other names: c.209G>A (NM_021072.3); short protein forms G70D.
Identifiers: ClinVar variation 2724804 (VCV002724804.5), dbSNP rs1269949873, ClinGen allele CA359706519.

ClinVar aggregate classification (germline): Uncertain significance. Review status: criteria provided, multiple submitters, no conflicts (2 of 4 stars). 3 submissions from 3 submitters: Uncertain significance (3). Last evaluated 2024-11-20.

Conditions:
Generalized epilepsy with febrile seizures plus, type 10. Also called: GEFS+, TYPE 10. Identifiers: MedGen C5193120, MONDO:0032777, OMIM 618482.
Early-infantile DEE. Also called: Ohtahara syndrome; Early infantile epileptic encephalopathy; Early infantile epileptic encephalopathy with suppression bursts. Identifiers: Orphanet 1934, MedGen C0393706, MONDO:0800491.
HCN1-related disorder. Also called: HCN1-related disorders; HCN1-related condition.

gnomAD v4.1: 1 of 1,452,752 alleles (0.000069%); no homozygotes.

Submissions (3):

PreventionGenetics, part of Exact Sciences
Classification: Uncertain significance for HCN1-related condition. Last evaluated: 2024-11-20. Review status: criteria provided, single submitter. Criteria: ACMG Guidelines, 2015. Collection method: clinical testing. Allele origin: germline.
Comment: The HCN1 c.209G>A variant is predicted to result in the amino acid substitution p.Gly70Asp. To our knowledge, this variant has not been reported in the literature or in gnomAD, indicating this it is rare. At this time, the clinical significance of this variant is uncertain due to the absence of conclusive functional and genetic evidence.

3billion
Classification: Uncertain significance for Generalized epilepsy with febrile seizures plus, type 10. Last evaluated: 2024-08-01. Review status: criteria provided, single submitter. Criteria: ACMG Guidelines, 2015. Collection method: clinical testing. Allele origin: germline. Affected: yes.
Comment: The variant is observed at an extremely low frequency in the gnomAD v4.0.0 dataset (total allele frequency: <0.001%). Predicted Consequence/Location: Missense changes are a common disease-causing mechanism. In silico tool predictions suggest no damaging effect of the variant on gene or gene product [REVEL: 0.36 (<0.4); 3Cnet: 0.00 (<0.15, specificity 0.78 and negative predictive value 0.92)]. The variant has been reported as of uncertain significance (ClinVar ID: VCV002724804). Therefore, this variant is classified as VUS according to the recommendation of ACMG/AMP guideline.

Labcorp Genetics (formerly Invitae), Labcorp
Classification: Uncertain significance for Early-infantile DEE. Last evaluated: 2023-04-23. Review status: criteria provided, single submitter. Criteria: Invitae Variant Classification Sherloc (09022015). Collection method: clinical testing. Allele origin: germline.
Comment: The frequency data for this variant in the population databases is considered unreliable, as metrics indicate poor data quality at this position in the gnomAD database. In summary, the available evidence is currently insufficient to determine the role of this variant in disease. Therefore, it has been classified as a Variant of Uncertain Significance. Advanced modeling of protein sequence and biophysical properties (such as structural, functional, and spatial information, amino acid conservation, physicochemical variation, residue mobility, and thermodynamic stability) performed at Invitae indicates that this missense variant is not expected to disrupt HCN1 protein function. This variant has not been reported in the literature in individuals affected with HCN1-related conditions. This sequence change replaces glycine, which is neutral and non-polar, with aspartic acid, which is acidic and polar, at codon 70 of the HCN1 protein (p.Gly70Asp).